The following is an entry in ClinVar:

ClinVar aggregate classification (germline): Benign. Review status: criteria provided, multiple submitters, no conflicts (2 of 4 stars). 3 submissions from 3 submitters: Benign (2). 1 of the submissions does not count toward it. Last evaluated 2019-03-14.

Conditions:
DNHD1-related disorder. Also called: DNHD1-related condition.

Allele frequency attached by ClinVar (database versions not stated): gnomAD 0.67355 and 0.67960; ESP Exome Variant Server 0.67806; TOPMed 0.67865; gnomAD exomes 0.68062; 1000 Genomes Project 30x 0.72252; ExAC 0.72287; 1000 Genomes Project 0.73003.
gnomAD v4.1: 1,056,720 of 1,550,784 alleles (68%); highest among the groups gnomAD compares: East Asian, 87%; 361,930 homozygotes.

Submissions (3):

GeneDx
Classification: Benign. Last evaluated: 2019-03-14. Review status: criteria provided, single submitter. Criteria: GeneDx Variant Classification Process June 2021. Collection method: clinical testing. Allele origin: germline. Affected: yes.

Breakthrough Genomics
Classification: Benign. Review status: criteria provided, single submitter. Criteria: ACMG Guidelines, 2015. Collection method: not provided. Allele origin: germline. Inheritance: Autosomal recessive inheritance. Affected: yes.

PreventionGenetics, part of Exact Sciences
Classification: Benign for DNHD1-related condition. Last evaluated: 2023-11-29. Review status: no assertion criteria provided. Collection method: clinical testing. Allele origin: germline. Not counted in ClinVar's aggregate classification.
Comment: This variant is classified as benign based on ACMG/AMP sequence variant interpretation guidelines (Richards et al. 2015 PMID: 25741868, with internal and published modifications).

NM_144666.3(DNHD1):c.2090A>G (p.Gln697Arg)

Gene: DNHD1 (dynein heavy chain domain 1; plus strand). Cytogenetic location: 11p15.4.
Variant type: single nucleotide variant.
Coding change: c.2090A>G on transcript NM_144666.3 (MANE Select); coding-DNA position 2090, A replaced by G.
Protein change: p.Gln697Arg; replaces glutamine 697 with arginine.
Molecular consequence: missense variant.
Genome position (GRCh38, 1-based): chr11:6,528,774, A>G. VCF-style: chr11-6528774-A-G. GRCh37 (hg19) VCF-style: chr11-6550004-A-G.
Other names: short protein forms Q697R.
Identifiers: ClinVar variation 1283833 (VCV001283833.4), dbSNP rs2344828, ClinGen allele CA5855745.